The following is an entry in ClinVar:

ClinVar aggregate classification (germline): Uncertain significance (1 of 4 stars; one submission).

Allele frequency attached by ClinVar (database versions not stated): TOPMed below 0.00001.

Submission:

Labcorp Genetics (formerly Invitae), Labcorp
Classification: Uncertain significance. Last evaluated: 2025-07-08. Review status: criteria provided, single submitter. Criteria: Invitae Variant Classification Sherloc (09022015). Collection method: clinical testing. Allele origin: germline.
Comment: This sequence change replaces histidine, which is basic and polar, with tyrosine, which is neutral and polar, at codon 573 of the BICC1 protein (p.His573Tyr). This variant is not present in population databases (gnomAD no frequency). This variant has not been reported in the literature in individuals affected with BICC1-related conditions. ClinVar contains an entry for this variant (Variation ID: 2995850). An algorithm developed to predict the effect of missense changes on protein structure and function (PolyPhen-2) suggests that this variant is likely to be tolerated. In summary, the available evidence is currently insufficient to determine the role of this variant in disease. Therefore, it has been classified as a Variant of Uncertain Significance.

NM_001080512.3(BICC1):c.1717C>T (p.His573Tyr)

Gene: BICC1 (BicC family RNA binding protein 1; plus strand). Cytogenetic location: 10q21.1.
Variant type: single nucleotide variant.
Coding change: c.1717C>T on transcript NM_001080512.3 (MANE Select); coding-DNA position 1717, C replaced by T.
Protein change: p.His573Tyr; replaces histidine 573 with tyrosine.
Molecular consequence: missense variant.
Genome position (GRCh38, 1-based): chr10:58,799,244, C>T. VCF-style: chr10-58799244-C-T. GRCh37 (hg19) VCF-style: chr10-60559004-C-T.
Other names: short protein forms H573Y.
Identifiers: ClinVar variation 2995850 (VCV002995850.3), dbSNP rs1314736207, ClinGen allele CA376974554.